The following is an entry in ClinVar:

NM_001378743.1(CYLD):c.2283dup (p.Asp762fs)

Genes: CYLD (CYLD lysine 63 deubiquitinase; plus strand), CYLD-AS2 (CYLD antisense RNA 2; minus strand). Cytogenetic location: 16q12.1.
Variant type: Duplication.
Coding change: c.2283dup on transcript NM_001378743.1 (MANE Select); coding-DNA position 2283, one base duplicated (A; older notation c.2283dupA).
Protein change: p.Asp762fs; shifts the reading frame from aspartic acid 762.
Molecular consequence: frameshift variant. On other transcripts: non-coding transcript variant (1).
Genome position (GRCh38, 1-based): chr16:50,792,638, A duplicated; the last of 4 consecutive A bases (chr16:50,792,635-50,792,638); duplicating any one gives the same sequence. VCF-style (leftmost placement, unchanged base first): chr16-50792634-G-GA. GRCh37 (hg19) VCF-style: chr16-50826545-G-GA.
Other names: c.2274dup, p.Asp759fs (NM_001042355.2, NM_001042412.3, NM_001378744.1 and 6 more transcripts); c.2244dup, p.Asp749fs (NM_001378751.1, NM_001378752.1, NM_001378753.1); c.1608dup, p.Asp537fs (NM_001378754.1, NM_001378755.1); c.2283dup, p.Asp762fs (NM_015247.3); short protein forms D537fs, D749fs, D759fs, D762fs.
Identifiers: ClinVar variation 4851358 (VCV004851358.1).

ClinVar aggregate classification (germline): Pathogenic (1 of 4 stars; one submission).

Conditions:
Multiple monogenic benign skin tumours.

Submission:

Genetics Laboratory, Great Ormond Street Hospital NHS Foundation Trust, North Thames Genomic Laboratory Hub
Classification: Pathogenic for Multiple monogenic benign skin tumours. Last evaluated: 2026-03-24. Review status: criteria provided, single submitter. Criteria: ACGS Best Practice Guidelines for Variant Classification in Rare Disease 2024 v1.2. Collection method: clinical testing. Allele origin: germline. Affected: yes.
Comment: PM2_moderate, PVS1_very-strong, PP4_supporting